The following is an entry in ClinVar:

NM_022455.5(NSD1):c.2552A>T (p.Asp851Val)

Gene: NSD1 (nuclear receptor binding SET domain protein 1; plus strand). Cytogenetic location: 5q35.3.
Variant type: single nucleotide variant.
Coding change: c.2552A>T on transcript NM_022455.5 (MANE Select); coding-DNA position 2552, A replaced by T.
Protein change: p.Asp851Val; replaces aspartic acid 851 with valine.
Molecular consequence: missense variant.
Genome position (GRCh38, 1-based): chr5:177,210,951, A>T. VCF-style: chr5-177210951-A-T. GRCh37 (hg19) VCF-style: chr5-176637952-A-T.
Other names: c.1679A>T, p.Asp560Val (NM_001365684.2, NM_001409306.1, NM_001409307.1 and 3 more transcripts); c.2552A>T, p.Asp851Val (NM_001409301.1, NM_001409302.1, NM_001409303.1); c.2132A>T, p.Asp711Val (NM_001409304.1); c.1799A>T, p.Asp600Val (NM_001409305.1); short protein forms D560V, D851V, D582V, D600V, D711V.
Identifiers: ClinVar variation 1792965 (VCV001792965.4), dbSNP rs773406992, ClinGen allele CA3577292.
Genomic context (GRCh38, chr5:177,210,951, plus strand): 5'-GGAAAGTGGATGGTCTAAAACTACTGAACAATATGCATGAGAAAACCAGGGATTCAAGTG[A>T]CATAGAAACAGCAGTGGTGAAACATGTTTTATCCGAGTTGAAGGAACTCTCTTACAGATC-3'
Protein context (NP_071900.2, residues 841-861): NMHEKTRDSS[Asp851Val]IETAVVKHVL

ClinVar aggregate classification (germline): Conflicting classifications of pathogenicity. Review status: criteria provided, conflicting classifications (1 of 4 stars). 2 submissions from 2 submitters: Uncertain significance (1); Benign (1). Last evaluated 2025-05-14.

Conditions:
Inborn genetic diseases. Identifiers: MedGen C0950123, MeSH D030342.

gnomAD v4.1: 6 of 1,614,090 alleles (0.00037%); highest among the groups gnomAD compares: African/African-American, 0.0067%; no homozygotes.

Submissions (2):

Labcorp Genetics (formerly Invitae), Labcorp
Classification: Benign. Last evaluated: 2025-05-14. Review status: criteria provided, single submitter. Criteria: Invitae Variant Classification Sherloc (09022015). Collection method: clinical testing. Allele origin: germline.

Ambry Genetics
Classification: Uncertain significance for Inborn genetic diseases. Last evaluated: 2018-02-14. Review status: criteria provided, single submitter. Criteria: Ambry Variant Classification Scheme 2023. Collection method: clinical testing. Allele origin: germline.
Comment: The p.D851V variant (also known as c.2552A>T), located in coding exon 4 of the NSD1 gene, results from an A to T substitution at nucleotide position 2552. The aspartic acid at codon 851 is replaced by valine, an amino acid with highly dissimilar properties. This amino acid position is well conserved in available vertebrate species. In addition, the in silico prediction for this alteration is inconclusive. Since supporting evidence is limited at this time, the clinical significance of this alteration remains unclear.